The following is an entry in ClinVar:

ClinVar aggregate classification (germline): Benign/Likely benign. Review status: criteria provided, multiple submitters, no conflicts (2 of 4 stars). 9 submissions from 9 submitters: Benign (6); Likely benign (1). 2 of the submissions do not count toward it. Last evaluated 2026-01-25.

Conditions:
Cardiovascular phenotype. Identifiers: MedGen CN230736.
Ehlers-Danlos syndrome (EDS). Identifiers: Orphanet 98249, MedGen C0013720, MONDO:0020066.
Osteogenesis imperfecta type I (OI1). Also called: Lobstein disease; Lobstein's Disease; OI, TYPE I; OSTEOGENESIS IMPERFECTA TARDA; OSTEOGENESIS IMPERFECTA WITH BLUE SCLERAE; Osteogenesis imperfecta type 1. Identifiers: Orphanet 216796, Orphanet 666, MedGen C0023931, MONDO:0008146, OMIM 166200. Disease mechanism: loss of function.

Allele frequency attached by ClinVar (database versions not stated): gnomAD exomes 0.00058 and 0.00142; ExAC 0.00186; gnomAD 0.00547 and 0.00578; ESP Exome Variant Server 0.00592; TOPMed 0.00622; 1000 Genomes Project 0.00839; 1000 Genomes Project 30x 0.00953.
gnomAD v4.1: 1,720 of 1,614,088 alleles (0.11%); highest among the groups gnomAD compares: African/African-American, 1.7%; 16 homozygotes.

Submissions (9):

Labcorp Genetics (formerly Invitae), Labcorp
Classification: Benign for Osteogenesis imperfecta type I. Last evaluated: 2026-01-25. Review status: criteria provided, single submitter. Criteria: Invitae Variant Classification Sherloc (09022015). Collection method: clinical testing. Allele origin: germline.

ARUP Laboratories, Molecular Genetics and Genomics, ARUP Laboratories
Classification: Benign. Last evaluated: 2024-11-18. Review status: criteria provided, single submitter. Criteria: ARUP Molecular Germline Variant Investigation Process 2024. Collection method: clinical testing. Allele origin: germline.

Genome Diagnostics Laboratory, The Hospital for Sick Children
Classification: Likely benign for Ehlers-Danlos syndrome. Last evaluated: 2020-01-01. Review status: criteria provided, single submitter. Criteria: ACMG Guidelines, 2015. Collection method: clinical testing. Allele origin: germline.

Ambry Genetics
Classification: Benign for Cardiovascular phenotype. Last evaluated: 2019-06-19. Review status: criteria provided, single submitter. Criteria: Ambry Variant Classification Scheme 2023. Collection method: clinical testing. Allele origin: germline.

Athena Diagnostics
Classification: Benign. Last evaluated: 2018-03-12. Review status: criteria provided, single submitter. Criteria: Athena Diagnostics Criteria. Collection method: clinical testing. Allele origin: germline.

GeneDx
Classification: Benign. Last evaluated: 2016-10-24. Review status: criteria provided, single submitter. Criteria: GeneDx Variant Classification (06012015). Collection method: clinical testing. Allele origin: germline. Affected: yes.
Comment: This variant is considered likely benign or benign based on one or more of the following criteria: it is a conservative change, it occurs at a poorly conserved position in the protein, it is predicted to be benign by multiple in silico algorithms, and/or has population frequency not consistent with disease.

Breakthrough Genomics
Classification: Benign. Review status: criteria provided, single submitter. Criteria: ACMG Guidelines, 2015. Collection method: not provided. Allele origin: germline. Inheritance: Autosomal dominant inheritance. Affected: yes.

Genome Diagnostics Laboratory, Amsterdam University Medical Center
Classification: Benign. Review status: no assertion criteria provided. Collection method: clinical testing. Allele origin: germline. Affected: yes. Study: VKGL Data-share Consensus. Not counted in ClinVar's aggregate classification.

Genome Diagnostics Laboratory, University Medical Center Utrecht
Classification: Likely benign. Review status: no assertion criteria provided. Collection method: clinical testing. Allele origin: germline. Affected: yes. Study: VKGL Data-share Consensus. Not counted in ClinVar's aggregate classification.

Literature cited by the submitters: PubMed 18272325 (cited by Athena Diagnostics).

NM_000088.4(COL1A1):c.4113G>A (p.Lys1371=)

Gene: COL1A1 (collagen type I alpha 1 chain; minus strand). Cytogenetic location: 17q21.33.
Variant type: single nucleotide variant.
Coding change: c.4113G>A on transcript NM_000088.4 (MANE Select); coding-DNA position 4113, G replaced by A.
Protein change: p.Lys1371=; no amino-acid change (lysine 1371 retained).
Molecular consequence: synonymous variant.
Genome position (GRCh38, 1-based): chr17:50,185,913, C>T on the plus strand (G>A on the coding strand, the complement: COL1A1 is on the minus strand). VCF-style: chr17-50185913-C-T. GRCh37 (hg19) VCF-style: chr17-48263274-C-T.
Identifiers: ClinVar variation 383766 (VCV000383766.29), dbSNP rs41316723, ClinGen allele CA8644255.